The following is an entry in ClinVar:

NM_005609.4(PYGM):c.1925G>A (p.Arg642His)

Gene: PYGM (glycogen phosphorylase, muscle associated; minus strand). Cytogenetic location: 11q13.1.
Variant type: single nucleotide variant.
Coding change: c.1925G>A on transcript NM_005609.4 (MANE Select); coding-DNA position 1925, G replaced by A.
Protein change: p.Arg642His; replaces arginine 642 with histidine.
Molecular consequence: missense variant.
Genome position (GRCh38, 1-based): chr11:64,751,369, C>T on the plus strand (G>A on the coding strand, the complement: PYGM is on the minus strand). VCF-style: chr11-64751369-C-T. GRCh37 (hg19) VCF-style: chr11-64518841-C-T.
Other names: c.1661G>A, p.Arg554His (NM_001164716.1); short protein forms R642H, R554H.
Identifiers: ClinVar variation 449805 (VCV000449805.13), dbSNP rs150098198, ClinGen allele CA6079673.

ClinVar aggregate classification (germline): Conflicting classifications of pathogenicity. Review status: criteria provided, conflicting classifications (1 of 4 stars). 5 submissions from 5 submitters: Uncertain significance (3); Benign (1). 1 of the submissions does not count toward it. Last evaluated 2026-01-26.

Conditions:
Inborn genetic diseases. Identifiers: MedGen C0950123, MeSH D030342.
Glycogen storage disease, type V (GSD5). Also called: McArdle type glycogen storage disease; MCARDLE DISEASE; MUSCLE GLYCOGEN PHOSPHORYLASE DEFICIENCY; MYOPHOSPHORYLASE DEFICIENCY; PYGM DEFICIENCY. Identifiers: Orphanet 368, MedGen C0017924, MONDO:0009293, OMIM 232600.

Allele frequency attached by ClinVar (database versions not stated): gnomAD exomes 0.00003 and 0.00011; ExAC 0.00014; TOPMed 0.00026; ESP Exome Variant Server 0.00031; gnomAD 0.00031 and 0.00035.

Submissions (5):

Labcorp Genetics (formerly Invitae), Labcorp
Classification: Benign for Glycogen storage disease, type V. Last evaluated: 2026-01-26. Review status: criteria provided, single submitter. Criteria: Invitae Variant Classification Sherloc (09022015). Collection method: clinical testing. Allele origin: germline.

Ambry Genetics
Classification: Uncertain significance for Inborn genetic diseases. Last evaluated: 2024-03-28. Review status: criteria provided, single submitter. Criteria: Ambry Variant Classification Scheme 2023. Collection method: clinical testing. Allele origin: germline.

Revvity Omics, Revvity
Classification: Uncertain significance for Glycogen storage disease, type V. Last evaluated: 2022-03-07. Review status: criteria provided, single submitter. Criteria: ACMG Guidelines, 2015. Collection method: clinical testing. Allele origin: germline.

GeneDx
Classification: Uncertain significance. Last evaluated: 2019-12-05. Review status: criteria provided, single submitter. Criteria: GeneDx Variant Classification Process June 2021. Collection method: clinical testing. Allele origin: germline. Affected: yes.
Comment: Has not been previously published as pathogenic or benign to our knowledge; In silico analysis supports that this missense variant has a deleterious effect on protein structure/function

Natera, Inc.
Classification: Uncertain significance for Glycogen storage disease V. Last evaluated: 2020-04-14. Review status: no assertion criteria provided. Collection method: clinical testing. Allele origin: germline. Not counted in ClinVar's aggregate classification.